The following is an entry in ClinVar:

ClinVar aggregate classification (germline): Pathogenic/Likely pathogenic. Review status: criteria provided, multiple submitters, no conflicts (2 of 4 stars). 16 submissions from 14 submitters: Pathogenic (9); Likely pathogenic (2). 5 of the submissions do not count toward it. Last evaluated 2026-07-09.

Conditions:
CYP2U1-related disorder. Also called: CYP2U1-related condition.
CYP2U1-related disorders.
Hereditary spastic paraplegia 56. Also called: SPASTIC PARAPLEGIA 56, AUTOSOMAL RECESSIVE, WITH OR WITHOUT PSEUDOXANTHOMA ELASTICUM; Spastic paraplegia 56, autosomal recessive; Spastic Paraplegia 56. Identifiers: Orphanet 320411, MedGen C3539507, MONDO:0014015, OMIM 615030.
Spastic paraplegia. Identifiers: MedGen C0037772, HP:0001258.
Global developmental delay (DD). Also called: Cognitive delay. Identifiers: MedGen C0557874, HP:0001263. Disease mechanism: loss of function.
Neurodegeneration. Also called: Neurodegenerative disease; Neurodegenerative illness; neurodegenerative disorder. Identifiers: MedGen C0027746, MONDO:0005559, HP:0002180.

Allele frequency attached by ClinVar (database versions not stated): TOPMed below 0.00001.
gnomAD v4.1: 7 of 1,614,128 alleles (0.00043%); highest among the groups gnomAD compares: Middle Eastern, 0.12%; no homozygotes.

Submissions (16):

PreventionGenetics, part of Exact Sciences
Classification: Pathogenic for CYP2U1-related condition. Last evaluated: 2026-07-09. Review status: criteria provided, single submitter. Criteria: ACMG Guidelines, 2015. Collection method: clinical testing. Allele origin: germline.
Comment: The CYP2U1 c.947A>T variant is predicted to result in the amino acid substitution p.Asp316Val. This variant has been reported in the homozygous state in individuals with spastic paraplegia (Tesson et al. 2012. PubMed ID: 23176821; Alfares et al. 2018. PubMed ID: 30202406; Table S1, Monies et al. 2019. PubMed ID: 31130284). This variant has not been reported in a large population database, indicating this variant is rare. This variant is interpreted as pathogenic.

Genomic Research Center, Shahid Beheshti University of Medical Sciences
Classification: Pathogenic for Hereditary spastic paraplegia 56. Last evaluated: 2025-12-04. Review status: criteria provided, single submitter. Criteria: ACMG Guidelines, 2015. Collection method: clinical testing. Allele origin: inherited. Affected: yes. Observed: 1 homozygote.
Comment: This variant is absent or extremely rare in population databases. Other missense changes affecting the same residue have been reported as pathogenic. Computational prediction tools indicate a deleterious effect on protein function. This variant has also been previously submitted to ClinVar as pathogenic/likely pathogenic(VCV000039500.47).

Genomic Medicine Center of Excellence, King Faisal Specialist Hospital and Research Centre
Classification: Likely pathogenic for Hereditary spastic paraplegia 56. Last evaluated: 2024-03-17. Review status: criteria provided, single submitter. Criteria: ACMG Guidelines, 2015. Collection method: research. Allele origin: germline.

Blueprint Genetics
Classification: Pathogenic for CYP2U1-related disorders. Last evaluated: 2024-03-11. Review status: criteria provided, single submitter. Criteria: ACMG Guidelines, 2015. Collection method: clinical testing. Allele origin: germline. Affected: yes. Observed: 4 variant alleles.

Labcorp Genetics (formerly Invitae), Labcorp
Classification: Pathogenic for Spastic paraplegia. Last evaluated: 2024-03-06. Review status: criteria provided, single submitter. Criteria: Invitae Variant Classification Sherloc (09022015). Collection method: clinical testing. Allele origin: germline.
Comment: This sequence change replaces aspartic acid, which is acidic and polar, with valine, which is neutral and non-polar, at codon 316 of the CYP2U1 protein (p.Asp316Val). This variant is not present in population databases (gnomAD no frequency). This missense change has been observed in individual(s) with hereditary spastic paraplegia (PMID: 23176821). It has also been observed to segregate with disease in related individuals. ClinVar contains an entry for this variant (Variation ID: 39500). Advanced modeling of protein sequence and biophysical properties (such as structural, functional, and spatial information, amino acid conservation, physicochemical variation, residue mobility, and thermodynamic stability) performed at Invitae indicates that this missense variant is expected to disrupt CYP2U1 protein function with a positive predictive value of 95%. For these reasons, this variant has been classified as Pathogenic.

Revvity Omics, Revvity
Classification: Pathogenic for Hereditary spastic paraplegia 56. Last evaluated: 2023-06-01. Review status: criteria provided, single submitter. Criteria: ACMG Guidelines, 2015. Collection method: clinical testing. Allele origin: germline.

GeneDx
Classification: Pathogenic. Last evaluated: 2022-09-13. Review status: criteria provided, single submitter. Criteria: GeneDx Variant Classification Process June 2021. Collection method: clinical testing. Allele origin: germline. Affected: yes.
Comment: Published functional studies demonstrate no detectable enzyme activity (Durand et al., 2018); Not present at significant allele frequency in large population cohorts (gnomAD); In silico analysis, which includes protein predictors and evolutionary conservation, supports a deleterious effect; This variant is associated with the following publications: (PMID: 28600779, 34546337, 25558065, 23176821, 27292318, 29034544, 30202406, 31130284, 27535533, 35046417)

Clinical Genetics Laboratory, Skane University Hospital Lund
Classification: Pathogenic. Last evaluated: 2022-07-13. Review status: criteria provided, single submitter. Criteria: ACMG Guidelines, 2015. Collection method: clinical testing. Allele origin: germline. Affected: yes.

CeGaT Center for Human Genetics Tuebingen
Classification: Pathogenic. Last evaluated: 2021-12-01. Review status: criteria provided, single submitter. Criteria: CeGaT Center For Human Genetics Tuebingen Variant Classification Criteria Version 2. Collection method: clinical testing. Allele origin: germline. Affected: yes. Observed: 1 variant allele.

Baylor Genetics
Classification: Pathogenic for Hereditary spastic paraplegia 56. Last evaluated: 2020-08-01. Review status: criteria provided, single submitter. Criteria: ACMG Guidelines, 2015. Collection method: clinical testing. Allele origin: unknown. Affected: yes.
Comment: This variant was determined to be pathogenic according to ACMG Guidelines, 2015 [PMID:25741868]. This variant has been previously reported as disease-causing [PMID: 29034544, 28600779, 23176821, ClinVar ID: 39500]

Clinical Genetics and Genomics, Karolinska University Hospital
Classification: Likely pathogenic. Last evaluated: 2015-11-24. Review status: criteria provided, single submitter. Criteria: ACMG Guidelines, 2015. Collection method: clinical testing. Allele origin: germline. Affected: yes. Observed: 3 variant alleles.

Biochemical Molecular Genetic Laboratory, King Abdulaziz Medical City
Classification: Pathogenic for Hereditary spastic paraplegia 56. Last evaluated: 2018-04-30. Review status: no assertion criteria provided. Collection method: clinical testing. Allele origin: germline. Affected: yes. Not counted in ClinVar's aggregate classification.

Genomic Medicine Center of Excellence, King Faisal Specialist Hospital and Research Centre
Classification: Likely pathogenic for Neurodegenerative illness; Global developmental delay. Last evaluated: 2014-12-01. Review status: no assertion criteria provided. Criteria: research. Collection method: research. Allele origin: germline. Affected: yes. Not counted in ClinVar's aggregate classification.

Genomic Medicine Center of Excellence, King Faisal Specialist Hospital and Research Centre
Classification: Likely pathogenic for Spastic paraplegia. Last evaluated: 2014-12-01. Review status: no assertion criteria provided. Criteria: research. Collection method: research. Allele origin: germline. Affected: yes. Not counted in ClinVar's aggregate classification.

OMIM
Classification: Pathogenic for SPASTIC PARAPLEGIA 56, AUTOSOMAL RECESSIVE. Last evaluated: 2012-12-07. Review status: no assertion criteria provided. Collection method: literature only. Allele origin: germline. Not counted in ClinVar's aggregate classification.

Next Generation Genetic Polyclinic
Classification: Pathogenic for Hereditary spastic paraplegia 56. Review status: no assertion criteria provided. Collection method: clinical testing. Allele origin: inherited. Affected: yes. Not counted in ClinVar's aggregate classification.

Literature cited by the submitters: PubMed 36879630 (cited by Genomic Research Center, Shahid Beheshti University of Medical Sciences); PubMed 23176821 (cited by 3 submitters); PubMed 29034544 (cited by Baylor Genetics); PubMed 28600779 (cited by Baylor Genetics); PubMed 25558065 (cited by Genomic Medicine Center of Excellence, King Faisal Specialist Hospital and Research Centre).

NM_183075.3(CYP2U1):c.947A>T (p.Asp316Val)

Gene: CYP2U1 (cytochrome P450 family 2 subfamily U member 1; plus strand). Cytogenetic location: 4q25.
Variant type: single nucleotide variant.
Coding change: c.947A>T on transcript NM_183075.3 (MANE Select); coding-DNA position 947, A replaced by T.
Protein change: p.Asp316Val; replaces aspartic acid 316 with valine.
Molecular consequence: missense variant.
Genome position (GRCh38, 1-based): chr4:107,945,426, A>T. VCF-style: chr4-107945426-A-T. GRCh37 (hg19) VCF-style: chr4-108866582-A-T.
Other names: short protein forms D316V.
Identifiers: ClinVar variation 39500 (VCV000039500.57), dbSNP rs397514513, ClinGen allele CA130341.